The following is an entry in ClinVar:

NM_015378.4(VPS13D):c.1034G>A (p.Arg345His)

Gene: VPS13D (vacuolar protein sorting 13 homolog D; plus strand). Cytogenetic location: 1p36.22.
Variant type: single nucleotide variant.
Coding change: c.1034G>A on transcript NM_015378.4 (MANE Select); coding-DNA position 1034, G replaced by A.
Protein change: p.Arg345His; replaces arginine 345 with histidine.
Molecular consequence: missense variant.
Genome position (GRCh38, 1-based): chr1:12,258,027, G>A. VCF-style: chr1-12258027-G-A. GRCh37 (hg19) VCF-style: chr1-12318084-G-A.
Other names: c.1034G>A, p.Arg345His (NM_018156.4); short protein forms R345H.
Identifiers: ClinVar variation 1904861 (VCV001904861.5), dbSNP rs375165536, ClinGen allele CA601403.
Genomic context (GRCh38, chr1:12,258,027, plus strand): 5'-CTAACTTGTATGAGATCAGAGAGCAGAGGAAACGTTGCACCTGGGACTTTATGTTGCACC[G>A]CGCTCGTGATGCTGTATCTTACACTGACAAATATTTCAACAAGTTAAAAGGAGGCCTGCT-3'
Protein context (NP_056193.2, residues 335-355): KRCTWDFMLH[Arg345His]ARDAVSYTDK

ClinVar aggregate classification (germline): Uncertain significance. Review status: criteria provided, multiple submitters, no conflicts (2 of 4 stars). 2 submissions from 2 submitters: Uncertain significance (2). Last evaluated 2022-12-31.

Conditions:
Inborn genetic diseases. Identifiers: MedGen C0950123, MeSH D030342.

Allele frequency attached by ClinVar (database versions not stated): gnomAD 0.00001; ExAC 0.00002; TOPMed 0.00002; gnomAD exomes 0.00004; ESP Exome Variant Server 0.00008.
gnomAD v4.1: 59 of 1,614,066 alleles (0.0037%); highest among the groups gnomAD compares: Admixed American, 0.005%; no homozygotes.

Submissions (2):

Labcorp Genetics (formerly Invitae), Labcorp
Classification: Uncertain significance. Last evaluated: 2022-12-31. Review status: criteria provided, single submitter. Criteria: Invitae Variant Classification Sherloc (09022015). Collection method: clinical testing. Allele origin: germline.
Comment: In summary, the available evidence is currently insufficient to determine the role of this variant in disease. Therefore, it has been classified as a Variant of Uncertain Significance. This sequence change replaces arginine, which is basic and polar, with histidine, which is basic and polar, at codon 345 of the VPS13D protein (p.Arg345His). This variant is present in population databases (rs375165536, gnomAD 0.009%). This variant has not been reported in the literature in individuals affected with VPS13D-related conditions. Advanced modeling of protein sequence and biophysical properties (such as structural, functional, and spatial information, amino acid conservation, physicochemical variation, residue mobility, and thermodynamic stability) performed at Invitae indicates that this missense variant is expected to disrupt VPS13D protein function.

Ambry Genetics
Classification: Uncertain significance for Inborn genetic diseases. Last evaluated: 2021-10-22. Review status: criteria provided, single submitter. Criteria: Ambry Variant Classification Scheme 2023. Collection method: clinical testing. Allele origin: germline.